The following is an entry in ClinVar:

NM_003468.4(FZD5):c.305T>C (p.Leu102Pro)

Gene: FZD5 (frizzled class receptor 5; minus strand). Cytogenetic location: 2q33.3.
Variant type: single nucleotide variant.
Coding change: c.305T>C on transcript NM_003468.4 (MANE Select); coding-DNA position 305, T replaced by C.
Protein change: p.Leu102Pro; replaces leucine 102 with proline.
Molecular consequence: missense variant.
Genome position (GRCh38, 1-based): chr2:207,768,435, A>G on the plus strand (T>C on the coding strand, the complement: FZD5 is on the minus strand). VCF-style: chr2-207768435-A-G. GRCh37 (hg19) VCF-style: chr2-208633159-A-G.
Other names: short protein forms L102P.
Identifiers: ClinVar variation 4760533 (VCV004760533.1).

ClinVar aggregate classification (germline): Uncertain significance (1 of 4 stars; one submission).

Submission:

Labcorp Genetics (formerly Invitae), Labcorp
Classification: Uncertain significance. Last evaluated: 2025-04-13. Review status: criteria provided, single submitter. Criteria: Invitae Variant Classification Sherloc (09022015). Collection method: clinical testing. Allele origin: germline.
Comment: This sequence change replaces leucine, which is neutral and non-polar, with proline, which is neutral and non-polar, at codon 102 of the FZD5 protein (p.Leu102Pro). This variant is present in population databases (no rsID available, gnomAD 0.01%). This variant has not been reported in the literature in individuals affected with FZD5-related conditions. Invitae Evidence Modeling of protein sequence and biophysical properties (such as structural, functional, and spatial information, amino acid conservation, physicochemical variation, residue mobility, and thermodynamic stability) indicates that this missense variant is expected to disrupt FZD5 protein function with a positive predictive value of 80%. In summary, the available evidence is currently insufficient to determine the role of this variant in disease. Therefore, it has been classified as a Variant of Uncertain Significance.